The following is an entry in ClinVar:

ClinVar aggregate classification (germline): Uncertain significance. Review status: criteria provided, multiple submitters, no conflicts (2 of 4 stars). 2 submissions from 2 submitters: Uncertain significance (2). Last evaluated 2024-11-30.

Conditions:
Neurofibromatosis, type 1 (NF1). Also called: NEUROFIBROMATOSIS, TYPE I, SOMATIC; VON RECKLINGHAUSEN DISEASE; Neurofibromatosis, type I; Peripheral type neurofibromatosis. Identifiers: Orphanet 636, MedGen C0027831, MONDO:0018975, OMIM 162200. Disease mechanism: loss of function.
Hereditary cancer-predisposing syndrome. Also called: Neoplastic Syndromes, Hereditary; Hereditary Cancer Syndrome; Hereditary neoplastic syndrome; Tumor predisposition. Identifiers: Orphanet 140162, MedGen C0027672, MeSH D009386, MONDO:0015356.
Cardiovascular phenotype. Identifiers: MedGen CN230736.

Submissions (2):

Ambry Genetics
Classification: Uncertain significance for Cardiovascular phenotype; Hereditary cancer-predisposing syndrome. Last evaluated: 2024-11-30. Review status: criteria provided, single submitter. Criteria: Ambry Variant Classification Scheme 2023. Collection method: clinical testing. Allele origin: germline.
Comment: The p.K2699E variant (also known as c.8095A>G), located in coding exon 55 of the NF1 gene, results from an A to G substitution at nucleotide position 8095. The lysine at codon 2699 is replaced by glutamic acid, an amino acid with similar properties. This amino acid position is conserved. In addition, the in silico prediction for this alteration is inconclusive. Based on the available evidence, the clinical significance of this variant remains unclear.

Labcorp Genetics (formerly Invitae), Labcorp
Classification: Uncertain significance for Neurofibromatosis, type 1. Last evaluated: 2022-02-08. Review status: criteria provided, single submitter. Criteria: Invitae Variant Classification Sherloc (09022015). Collection method: clinical testing. Allele origin: germline.
Comment: This variant is not present in population databases (gnomAD no frequency). This sequence change replaces lysine, which is basic and polar, with glutamic acid, which is acidic and polar, at codon 2699 of the NF1 protein (p.Lys2699Glu). This variant has not been reported in the literature in individuals affected with NF1-related conditions. ClinVar contains an entry for this variant (Variation ID: 644614). Advanced modeling of protein sequence and biophysical properties (such as structural, functional, and spatial information, amino acid conservation, physicochemical variation, residue mobility, and thermodynamic stability) performed at Invitae indicates that this missense variant is expected to disrupt NF1 protein function. Algorithms developed to predict the effect of sequence changes on RNA splicing suggest that this variant may create or strengthen a splice site. In summary, the available evidence is currently insufficient to determine the role of this variant in disease. Therefore, it has been classified as a Variant of Uncertain Significance.

NM_001042492.3(NF1):c.8158A>G (p.Lys2720Glu)

Gene: NF1 (neurofibromin 1; plus strand). Cytogenetic location: 17q11.2.
Variant type: single nucleotide variant.
Coding change: c.8158A>G on transcript NM_001042492.3 (MANE Select); coding-DNA position 8158, A replaced by G.
Protein change: p.Lys2720Glu; replaces lysine 2720 with glutamic acid.
Molecular consequence: missense variant.
Genome position (GRCh38, 1-based): chr17:31,359,013, A>G. VCF-style: chr17-31359013-A-G. GRCh37 (hg19) VCF-style: chr17-29686031-A-G.
Other names: c.8095A>G, p.Lys2699Glu (NM_000267.4); short protein forms K2720E, K2699E.
Identifiers: ClinVar variation 644614 (VCV000644614.6), dbSNP rs1597868832, ClinGen allele CA399204251.